The following is an entry in ClinVar:

NM_012186.3(FOXE3):c.816C>A (p.Pro272=)

Genes: LINC01389 (long independently transcribed non-coding RNA 1389; minus strand), FOXE3 (forkhead box E3; plus strand). Cytogenetic location: 1p33.
Variant type: single nucleotide variant.
Coding change: c.816C>A on transcript NM_012186.3 (MANE Select); coding-DNA position 816, C replaced by A.
Protein change: p.Pro272=; no amino-acid change (proline 272 retained).
Molecular consequence: synonymous variant.
Genome position (GRCh38, 1-based): chr1:47,417,131, C>A. VCF-style: chr1-47417131-C-A. GRCh37 (hg19) VCF-style: chr1-47882803-C-A.
Identifiers: ClinVar variation 4788196 (VCV004788196.1).

ClinVar aggregate classification (germline): Uncertain significance (1 of 4 stars; one submission).

Conditions:
Anterior segment dysgenesis. Also called: Ocular anterior segment dysgenesis. Identifiers: Orphanet 88632, MedGen C1862839, MONDO:0019503, HP:0007700.
Congenital primary aphakia. Also called: Anterior segment dysgenesis 2, multiple subtypes; ANTERIOR SEGMENT DYSGENESIS 2. Identifiers: Orphanet 83461, MedGen C1853230, MONDO:0012456, OMIM 610256.

Submission:

Labcorp Genetics (formerly Invitae), Labcorp
Classification: Uncertain significance for Anterior segment dysgenesis; Congenital primary aphakia. Last evaluated: 2025-05-25. Review status: criteria provided, single submitter. Criteria: Invitae Variant Classification Sherloc (09022015). Collection method: clinical testing. Allele origin: germline.
Comment: This sequence change affects codon 272 of the FOXE3 mRNA. It is a 'silent' change, meaning that it does not change the encoded amino acid sequence of the FOXE3 protein. This variant is not present in population databases (gnomAD no frequency). This variant has not been reported in the literature in individuals affected with FOXE3-related conditions. Experimental studies and prediction algorithms are not available or were not evaluated, and the effect of this variant on mRNA splicing is currently unknown. In summary, the available evidence is currently insufficient to determine the role of this variant in disease. Therefore, it has been classified as a Variant of Uncertain Significance.